The following is an entry in ClinVar:

ClinVar aggregate classification (germline): Uncertain significance (1 of 4 stars; one submission).

Allele frequency attached by ClinVar (database versions not stated): gnomAD 0.00001; gnomAD exomes 0.00002; TOPMed 0.00002.
gnomAD v4.1: 37 of 1,613,850 alleles (0.0023%); highest among the groups gnomAD compares: Non-Finnish European, 0.0031%; no homozygotes.

Submission:

Labcorp Genetics (formerly Invitae), Labcorp
Classification: Uncertain significance. Last evaluated: 2022-03-28. Review status: criteria provided, single submitter. Criteria: Invitae Variant Classification Sherloc (09022015). Collection method: clinical testing. Allele origin: germline.
Comment: This sequence change replaces asparagine, which is neutral and polar, with serine, which is neutral and polar, at codon 1565 of the ROBO1 protein (p.Asn1565Ser). In summary, the available evidence is currently insufficient to determine the role of this variant in disease. Therefore, it has been classified as a Variant of Uncertain Significance. Advanced modeling of protein sequence and biophysical properties (such as structural, functional, and spatial information, amino acid conservation, physicochemical variation, residue mobility, and thermodynamic stability) performed at Invitae indicates that this missense variant is not expected to disrupt ROBO1 protein function. This variant has not been reported in the literature in individuals affected with ROBO1-related conditions. This variant is present in population databases (no rsID available, gnomAD 0.002%).

NM_002941.4(ROBO1):c.4694A>G (p.Asn1565Ser)

Gene: ROBO1 (roundabout guidance receptor 1; minus strand). Cytogenetic location: 3p12.3.
Variant type: single nucleotide variant.
Coding change: c.4694A>G on transcript NM_002941.4 (MANE Select); coding-DNA position 4694, A replaced by G.
Protein change: p.Asn1565Ser; replaces asparagine 1565 with serine.
Molecular consequence: missense variant.
Genome position (GRCh38, 1-based): chr3:78,606,783, T>C on the plus strand (A>G on the coding strand, the complement: ROBO1 is on the minus strand). VCF-style: chr3-78606783-T-C. GRCh37 (hg19) VCF-style: chr3-78655933-T-C.
Other names: c.4559A>G, p.Asn1520Ser (NM_001145844.1, NM_133631.4); c.4394A>G, p.Asn1465Ser (NM_001145845.2); short protein forms N1465S, N1520S, N1565S.
Identifiers: ClinVar variation 1931765 (VCV001931765.5), dbSNP rs1383050067, ClinGen allele CA353683251.